The following is an entry in ClinVar:

NM_181882.3(PRX):c.992C>T (p.Pro331Leu)

Gene: PRX (periaxin; minus strand). Cytogenetic location: 19q13.2.
Variant type: single nucleotide variant.
Coding change: c.992C>T on transcript NM_181882.3 (MANE Select); coding-DNA position 992, C replaced by T.
Protein change: p.Pro331Leu; replaces proline 331 with leucine.
Molecular consequence: missense variant. On other transcripts: 3 prime UTR variant (1).
Genome position (GRCh38, 1-based): chr19:40,397,360, G>A on the plus strand (C>T on the coding strand, the complement: PRX is on the minus strand). VCF-style: chr19-40397360-G-A. GRCh37 (hg19) VCF-style: chr19-40903267-G-A.
Other names: c.*1197C>T (NM_020956.2); short protein forms P331L.
Identifiers: ClinVar variation 652703 (VCV000652703.9), dbSNP rs566629777, ClinGen allele CA9444345.

ClinVar aggregate classification (germline): Uncertain significance. Review status: criteria provided, multiple submitters, no conflicts (2 of 4 stars). 3 submissions from 3 submitters: Uncertain significance (3). Last evaluated 2022-02-04.

Conditions:
Charcot-Marie-Tooth disease type 4F. Also called: Charcot-Marie-Tooth disease, demyelinating, type 4F. Identifiers: Orphanet 99952, MedGen C3540453, MONDO:0013959, OMIM 614895.
Inborn genetic diseases. Identifiers: MedGen C0950123, MeSH D030342.
Charcot-Marie-Tooth disease type 4. Also called: Charcot-Marie-Tooth disease, type IV; Charcot-Marie-Tooth, Type 4. Identifiers: Orphanet 64749, MedGen C4082197, MONDO:0018995.

Allele frequency attached by ClinVar (database versions not stated): gnomAD exomes 0.00002 and 0.00005; gnomAD 0.00005 and 0.00006; ExAC 0.00006; TOPMed 0.00006; 1000 Genomes Project 30x 0.00016; 1000 Genomes Project 0.00020.
gnomAD v4.1: 39 of 1,612,820 alleles (0.0024%); highest among the groups gnomAD compares: East Asian, 0.022%; no homozygotes.

Submissions (3):

Labcorp Genetics (formerly Invitae), Labcorp
Classification: Uncertain significance for Charcot-Marie-Tooth disease type 4. Last evaluated: 2022-02-04. Review status: criteria provided, single submitter. Criteria: Invitae Variant Classification Sherloc (09022015). Collection method: clinical testing. Allele origin: germline.
Comment: This sequence change replaces proline, which is neutral and non-polar, with leucine, which is neutral and non-polar, at codon 331 of the PRX protein (p.Pro331Leu). This variant is present in population databases (rs566629777, gnomAD 0.01%). This variant has not been reported in the literature in individuals affected with PRX-related conditions. ClinVar contains an entry for this variant (Variation ID: 652703). Algorithms developed to predict the effect of missense changes on protein structure and function are either unavailable or do not agree on the potential impact of this missense change (SIFT: "Deleterious"; PolyPhen-2: "Possibly Damaging"; Align-GVGD: "Class C15"). In summary, the available evidence is currently insufficient to determine the role of this variant in disease. Therefore, it has been classified as a Variant of Uncertain Significance.

Ambry Genetics
Classification: Uncertain significance for Inborn genetic diseases. Last evaluated: 2019-12-19. Review status: criteria provided, single submitter. Criteria: Ambry Variant Classification Scheme 2023. Collection method: clinical testing. Allele origin: germline.
Comment: The p.P331L variant (also known as c.992C>T), located in coding exon 4 of the PRX gene, results from a C to T substitution at nucleotide position 992. The proline at codon 331 is replaced by leucine, an amino acid with similar properties. This amino acid position is well conserved in available vertebrate species. In addition, this alteration is predicted to be tolerated by in silico analysis. Since supporting evidence is limited at this time, the clinical significance of this alteration remains unclear.

Illumina Laboratory Services, Illumina
Classification: Uncertain significance for Charcot-Marie-Tooth disease type 4F. Last evaluated: 2017-04-27. Review status: criteria provided, single submitter. Criteria: ICSL Variant Classification Criteria 13 December 2019. Collection method: clinical testing. Allele origin: germline.
Comment: This variant was observed as part of a predisposition screen in an ostensibly healthy population. A literature search was performed for the gene, cDNA change, and amino acid change (where applicable). Publications were found based on this search. However, the evidence from the literature, in combination with allele frequency data from public databases where available, was not sufficient to rule this variant in or out of causing disease. Therefore, this variant is classified as a variant of unknown significance.

Literature cited by the submitters: PubMed 27104957 (cited by Illumina Laboratory Services, Illumina).